The following is an entry in ClinVar:

NM_006206.6(PDGFRA):c.3123-19T>G

Gene: PDGFRA (platelet derived growth factor receptor alpha; plus strand). Cytogenetic location: 4q12.
Variant type: single nucleotide variant.
Coding change: c.3123-19T>G on transcript NM_006206.6 (MANE Select); 19 bases into the intron before coding-DNA position 3123, T replaced by G.
Molecular consequence: intron variant.
Genome position (GRCh38, 1-based): chr4:54,295,106, T>G. VCF-style: chr4-54295106-T-G. GRCh37 (hg19) VCF-style: chr4-55161273-T-G.
Other names: c.3198-19T>G (NM_001347828.2); c.3123-19T>G (NM_001347829.2); c.3162-19T>G (NM_001347830.2).
Identifiers: ClinVar variation 1665288 (VCV001665288.9), dbSNP rs887202310, ClinGen allele CA96833112.
Genomic context (GRCh38, chr4:54,295,106, plus strand): 5'-CGTTTGTCTCTGGGGGGCCACAGTCTAGGTCTAGTTCTGTGCAGGAGTTGTAATATTTGC[T>G]CTTCTCTCCCTCCTCCAGCTCGCAGACCTCTGAAGAGAGTGCCATTGAGACGGGTTCCAG-3'

ClinVar aggregate classification (germline): Likely benign. Review status: criteria provided, multiple submitters, no conflicts (2 of 4 stars). 2 submissions from 2 submitters: Likely benign (2). Last evaluated 2026-06-16.

Conditions:
Gastrointestinal stromal tumor. Also called: Gastrointestinal stroma tumor; Gastrointestinal stromal tumor, somatic. Identifiers: Orphanet 44890, MedGen C0238198, MeSH D046152, MONDO:0011719, OMIM 606764, HP:0100723.
Polyps, multiple and recurrent inflammatory fibroid, gastrointestinal. Identifiers: MedGen C5193005, MONDO:0008285, OMIM 175510.

Allele frequency attached by ClinVar (database versions not stated): gnomAD exomes below 0.00001 and 0.00001; gnomAD 0.00001; TOPMed 0.00002.
gnomAD v4.1: 4 of 1,612,756 alleles (0.00025%); highest among the groups gnomAD compares: Non-Finnish European, 0.00034%; no homozygotes.

Submissions (2):

Myriad Genetics, Inc.
Classification: Likely benign for Polyps, multiple and recurrent inflammatory fibroid, gastrointestinal. Last evaluated: 2026-06-16. Review status: criteria provided, single submitter. Criteria: Myriad Autosomal Dominant, Autosomal Recessive and X-Linked Classification Criteria (2023). Collection method: clinical testing. Allele origin: unknown.
Comment: This variant is considered likely benign. This variant is intronic and is not expected to impact mRNA splicing.

Labcorp Genetics (formerly Invitae), Labcorp
Classification: Likely benign for Gastrointestinal stromal tumor. Last evaluated: 2025-12-01. Review status: criteria provided, single submitter. Criteria: Invitae Variant Classification Sherloc (09022015). Collection method: clinical testing. Allele origin: germline.